The following is an entry in ClinVar:

NM_000891.3(KCNJ2):c.341A>G (p.Asp114Gly)

Gene: KCNJ2 (potassium inwardly rectifying channel subfamily J member 2; plus strand). Cytogenetic location: 17q24.3.
Variant type: single nucleotide variant.
Coding change: c.341A>G on transcript NM_000891.3 (MANE Select); coding-DNA position 341, A replaced by G.
Protein change: p.Asp114Gly; replaces aspartic acid 114 with glycine.
Molecular consequence: missense variant.
Genome position (GRCh38, 1-based): chr17:70,175,380, A>G. VCF-style: chr17-70175380-A-G. GRCh37 (hg19) VCF-style: chr17-68171521-A-G.
Other names: short protein forms D114G.
Identifiers: ClinVar variation 889453 (VCV000889453.8), dbSNP rs2074386589, ClinGen allele CA400860385.

ClinVar aggregate classification (germline): Uncertain significance. Review status: criteria provided, multiple submitters, no conflicts (2 of 4 stars). 4 submissions from 2 submitters: Uncertain significance (4). Last evaluated 2025-12-03.

Conditions:
Atrial fibrillation, familial, 9 (ATFB9). Identifiers: MedGen C3151431, MONDO:0013513, OMIM 613980.
Andersen Tawil syndrome (LQT7). Also called: ANDERSEN CARDIODYSRHYTHMIC PERIODIC PARALYSIS; LONG QT SYNDROME 7; PERIODIC PARALYSIS, POTASSIUM-SENSITIVE CARDIODYSRHYTHMIC TYPE; Andersen Syndrome; Potassium-sensitive periodic paralysis, ventricular ectopy, and dysmorphic features. Identifiers: Orphanet 37553, MedGen C1563715, MONDO:0008222, OMIM 170390.
Short QT syndrome type 3. Identifiers: Orphanet 51083, MedGen C1865018, MONDO:0012314, OMIM 609622.

Allele frequency attached by ClinVar (database versions not stated): TOPMed below 0.00001.

Submissions (4):

Labcorp Genetics (formerly Invitae), Labcorp
Classification: Uncertain significance for Short QT syndrome type 3; Andersen Tawil syndrome. Last evaluated: 2025-12-03. Review status: criteria provided, single submitter. Criteria: Invitae Variant Classification Sherloc (09022015). Collection method: clinical testing. Allele origin: germline.
Comment: This sequence change replaces aspartic acid, which is acidic and polar, with glycine, which is neutral and non-polar, at codon 114 of the KCNJ2 protein (p.Asp114Gly). This variant is not present in population databases (gnomAD no frequency). This variant has not been reported in the literature in individuals affected with KCNJ2-related conditions. ClinVar contains an entry for this variant (Variation ID: 889453). Invitae Evidence Modeling of protein sequence and biophysical properties (such as structural, functional, and spatial information, amino acid conservation, physicochemical variation, residue mobility, and thermodynamic stability) indicates that this missense variant is not expected to disrupt KCNJ2 protein function with a negative predictive value of 95%. In summary, the available evidence is currently insufficient to determine the role of this variant in disease. Therefore, it has been classified as a Variant of Uncertain Significance.

Illumina Laboratory Services, Illumina
Classification: Uncertain significance for Andersen Tawil syndrome. Last evaluated: 2017-04-27. Review status: criteria provided, single submitter. Criteria: ICSL Variant Classification Criteria 13 December 2019. Collection method: clinical testing. Allele origin: germline.

Illumina Laboratory Services, Illumina
Classification: Uncertain significance for Short QT syndrome type 3. Last evaluated: 2017-04-27. Review status: criteria provided, single submitter. Criteria: ICSL Variant Classification Criteria 13 December 2019. Collection method: clinical testing. Allele origin: germline.

Illumina Laboratory Services, Illumina
Classification: Uncertain significance for Atrial fibrillation, familial, 9. Last evaluated: 2017-04-27. Review status: criteria provided, single submitter. Criteria: ICSL Variant Classification Criteria 13 December 2019. Collection method: clinical testing. Allele origin: germline.